The following is an entry in ClinVar:

ClinVar aggregate classification (germline): Likely benign. Review status: criteria provided, multiple submitters, no conflicts (2 of 4 stars). 2 submissions from 2 submitters: Likely benign (2). Last evaluated 2024-11-01.

Allele frequency attached by ClinVar (database versions not stated): gnomAD exomes below 0.00001; TOPMed below 0.00001; gnomAD 0.00001.
gnomAD v4.1: 4 of 1,550,598 alleles (0.00026%); highest among the groups gnomAD compares: African/African-American, 0.0014%; no homozygotes.

Submissions (2):

CeGaT Center for Human Genetics Tuebingen
Classification: Likely benign. Last evaluated: 2024-11-01. Review status: criteria provided, single submitter. Criteria: CeGaT Center For Human Genetics Tuebingen Variant Classification Criteria Version 2. Collection method: clinical testing. Allele origin: germline. Affected: yes. Observed: 1 variant allele.
Comment: EYS: BP4, BP7

Labcorp Genetics (formerly Invitae), Labcorp
Classification: Likely benign. Last evaluated: 2022-01-01. Review status: criteria provided, single submitter. Criteria: Invitae Variant Classification Sherloc (09022015). Collection method: clinical testing. Allele origin: germline.

NM_001142800.2(EYS):c.3774A>G (p.Thr1258=)

Gene: EYS (EGF-like photoreceptor maintenance factor; minus strand). Cytogenetic location: 6q12.
Variant type: single nucleotide variant.
Coding change: c.3774A>G on transcript NM_001142800.2 (MANE Select); coding-DNA position 3774, A replaced by G.
Protein change: p.Thr1258=; no amino-acid change (threonine 1258 retained).
Molecular consequence: synonymous variant.
Genome position (GRCh38, 1-based): chr6:64,593,220, T>C on the plus strand (A>G on the coding strand, the complement: EYS is on the minus strand). VCF-style: chr6-64593220-T-C. GRCh37 (hg19) VCF-style: chr6-65303113-T-C.
Other names: c.3774A>G, p.Thr1258= (NM_001292009.2).
Identifiers: ClinVar variation 2154101 (VCV002154101.18), dbSNP rs1244288783, ClinGen allele CA450761197.